The following is an entry in ClinVar:

NM_178229.5(IQGAP3):c.4334G>A (p.Arg1445His)

Gene: IQGAP3 (IQ motif containing GTPase activating protein 3; minus strand). Cytogenetic location: 1q22.
Variant type: single nucleotide variant.
Coding change: c.4334G>A on transcript NM_178229.5 (MANE Select); coding-DNA position 4334, G replaced by A.
Protein change: p.Arg1445His; replaces arginine 1445 with histidine.
Molecular consequence: missense variant.
Genome position (GRCh38, 1-based): chr1:156,530,175, C>T on the plus strand (G>A on the coding strand, the complement: IQGAP3 is on the minus strand). VCF-style: chr1-156530175-C-T. GRCh37 (hg19) VCF-style: chr1-156499967-C-T.
Other names: short protein forms R1445H.
Identifiers: ClinVar variation 3042046 (VCV003042046.3), dbSNP rs149623112, ClinGen allele CA1160725.

ClinVar aggregate classification (germline): Uncertain significance. Review status: criteria provided, single submitter (1 of 4 stars). 2 submissions from 2 submitters: Uncertain significance (1). 1 of the submissions does not count toward it. Last evaluated 2025-08-01.

Conditions:
IQGAP3-related disorder. Also called: IQGAP3-related condition.

Allele frequency attached by ClinVar (database versions not stated): gnomAD exomes 0.00024; ExAC 0.00121; 1000 Genomes Project 30x 0.00265; gnomAD 0.00267; TOPMed 0.00291; 1000 Genomes Project 0.00300; ESP Exome Variant Server 0.00315.
gnomAD v4.1: 771 of 1,611,756 alleles (0.048%); highest among the groups gnomAD compares: African/African-American, 0.86%; 4 homozygotes.

Submissions (2):

Ambry Genetics
Classification: Uncertain significance. Last evaluated: 2025-08-01. Review status: criteria provided, single submitter. Criteria: Ambry Variant Classification Scheme 2023. Collection method: clinical testing. Allele origin: germline.

PreventionGenetics, part of Exact Sciences
Classification: Benign for IQGAP3-related condition. Last evaluated: 2019-05-24. Review status: no assertion criteria provided. Collection method: clinical testing. Allele origin: germline. Not counted in ClinVar's aggregate classification.
Comment: This variant is classified as benign based on ACMG/AMP sequence variant interpretation guidelines (Richards et al. 2015 PMID: 25741868, with internal and published modifications).